The following is an entry in ClinVar:

NM_019023.5(PRMT7):c.1839A>G (p.Leu613=)

Genes: PRMT7 (protein arginine methyltransferase 7; plus strand), LOC130059279 (ATAC-STARR-seq lymphoblastoid active region 11013; plus strand). Cytogenetic location: 16q22.1.
Variant type: single nucleotide variant.
Coding change: c.1839A>G on transcript NM_019023.5 (MANE Select); coding-DNA position 1839, A replaced by G.
Protein change: p.Leu613=; no amino-acid change (leucine 613 retained).
Molecular consequence: synonymous variant. On other transcripts: non-coding transcript variant (12).
Genome position (GRCh38, 1-based): chr16:68,356,728, A>G. VCF-style: chr16-68356728-A-G. GRCh37 (hg19) VCF-style: chr16-68390631-A-G.
Other names: c.1689A>G, p.Leu563= (NM_001184824.4); c.1839A>G, p.Leu613= (NM_001290018.2, NM_001351143.3, NM_001378018.1); c.1842A>G, p.Leu614= (NM_001351144.3); c.1632A>G, p.Leu544= (NM_001378020.1); c.1602A>G, p.Leu534= (NM_001378021.1, NM_001378022.1, NM_001378023.1).
Identifiers: ClinVar variation 2646661 (VCV002646661.24), dbSNP rs1256959971, ClinGen allele CA496129035.

ClinVar aggregate classification (germline): Likely benign (1 of 4 stars; one submission).

Allele frequency attached by ClinVar (database versions not stated): gnomAD exomes below 0.00001; gnomAD 0.00001; TOPMed 0.00001.
gnomAD v4.1: 9 of 1,611,746 alleles (0.00056%); highest among the groups gnomAD compares: African/African-American, 0.0027%; no homozygotes.

Submission:

CeGaT Center for Human Genetics Tuebingen
Classification: Likely benign. Last evaluated: 2022-12-01. Review status: criteria provided, single submitter. Criteria: CeGaT Center For Human Genetics Tuebingen Variant Classification Criteria Version 2. Collection method: clinical testing. Allele origin: germline. Affected: yes. Observed: 1 variant allele.
Comment: PRMT7: BP4, BP7